The following is an entry in ClinVar:

NM_001371928.1(AHDC1):c.1914G>A (p.Trp638Ter)

Gene: AHDC1 (AT-hook DNA binding motif containing 1; minus strand). Cytogenetic location: 1p36.11.
Variant type: single nucleotide variant.
Coding change: c.1914G>A on transcript NM_001371928.1 (MANE Select); coding-DNA position 1914, G replaced by A.
Protein change: p.Trp638Ter; replaces tryptophan 638 with a stop codon.
Molecular consequence: nonsense.
Genome position (GRCh38, 1-based): chr1:27,550,202, C>T on the plus strand (G>A on the coding strand, the complement: AHDC1 is on the minus strand). VCF-style: chr1-27550202-C-T. GRCh37 (hg19) VCF-style: chr1-27876713-C-T.
Other names: NP_001025053.1:p.(Trp638*); c.1914G>A, p.Trp638Ter (NM_001029882.3); short protein forms W638*.
Identifiers: ClinVar variation 648513 (VCV000648513.9), dbSNP rs1571237925, ClinGen allele CA339233075.
Genomic context (GRCh38, chr1:27,550,202, plus strand): 5'-GAAGTGGGAGATGCTCTGGGTGTCGGGGGCCTGGTGCACCGACTCCGGCTCACTGGGTGT[C>T]CAGCAGCGGGGCGGTGAGCACCGTCCAGCGCACTGGCTCTGGCGGTTCAGGAAGGCCAGC-3'

ClinVar aggregate classification (germline): Pathogenic/Likely pathogenic. Review status: criteria provided, multiple submitters, no conflicts (2 of 4 stars). 2 submissions from 2 submitters: Pathogenic (1); Likely pathogenic (1). Last evaluated 2026-03-23.

Conditions:
AHDC1-related intellectual disability - obstructive sleep apnea - mild dysmorphism syndrome. Also called: Xia-Gibbs syndrome. Identifiers: Orphanet 412069, MedGen C4014419, MONDO:0014358, OMIM 615829.

Submissions (2):

Umrani?ye Training and Research Hospital
Classification: Pathogenic for AHDC1-related intellectual disability - obstructive sleep apnea - mild dysmorphism syndrome. Last evaluated: 2026-03-23. Review status: criteria provided, single submitter. Criteria: ACMG Guidelines, 2015. Collection method: provider interpretation. Allele origin: de novo. Inheritance: Autosomal dominant inheritance. Affected: yes. Observed: 1 variant allele.
Comment: PVS1,PM2,PM6

Labcorp Genetics (formerly Invitae), Labcorp
Classification: Likely pathogenic. Last evaluated: 2018-10-22. Review status: criteria provided, single submitter. Criteria: Invitae Variant Classification Sherloc (09022015). Collection method: clinical testing. Allele origin: germline.
Comment: In summary, the currently available evidence indicates that the variant is pathogenic, but additional data are needed to prove that conclusively. Therefore, this variant has been classified as Likely Pathogenic. This sequence change results in a premature translational stop signal in the AHDC1 gene (p.Trp638*). While this is not anticipated to result in nonsense mediated decay, it is expected to disrupt the last 965 amino acids of the AHDC1 protein. This variant is not present in population databases (ExAC no frequency). Experimental studies and prediction algorithms are not available for this variant, and the functional significance of the affected amino acid(s) is currently unknown.

Literature cited by the submitters: PubMed 42136190 (cited by Umrani?ye Training and Research Hospital).